The following is an entry in ClinVar:

ClinVar aggregate classification (germline): Likely benign (1 of 4 stars; one submission).

Conditions:
SEMA3G-related disorder. Also called: SEMA3G-related condition.

Submission:

PreventionGenetics, part of Exact Sciences
Classification: Likely benign for SEMA3G-related condition. Last evaluated: 2025-07-28. Review status: criteria provided, single submitter. Criteria: ACMG Guidelines, 2015. Collection method: clinical testing. Allele origin: germline.
Comment: This variant is classified as likely benign based on ACMG/AMP sequence variant interpretation guidelines (Richards et al. 2015 PMID: 25741868, with internal and published modifications).

NM_020163.3(SEMA3G):c.340-5C>T

Gene: SEMA3G (semaphorin 3G; minus strand). Cytogenetic location: 3p21.1.
Variant type: single nucleotide variant.
Coding change: c.340-5C>T on transcript NM_020163.3 (MANE Select); 5 bases into the intron before coding-DNA position 340, C replaced by T.
Molecular consequence: intron variant.
Genome position (GRCh38, 1-based): chr3:52,442,309, G>A on the plus strand (C>T on the coding strand, the complement: SEMA3G is on the minus strand). VCF-style: chr3-52442309-G-A. GRCh37 (hg19) VCF-style: chr3-52476325-G-A.
Identifiers: ClinVar variation 4981598 (VCV004981598.1).